The following is an entry in ClinVar:

ClinVar aggregate classification (germline): Likely pathogenic (1 of 4 stars; one submission).

Conditions:
Basal cell nevus syndrome 1 (BCNS1). Also called: GORLIN-GOLTZ SYNDROME; MULTIPLE BASAL CELL NEVI, ODONTOGENIC KERATOCYSTS, AND SKELETAL ANOMALIES. Identifiers: MedGen CN376810, MONDO:0958174, OMIM 109400.

Submission:

Department of Pediatric Genetics, University of Health Sciences, Ankara Bilkent City Children’s Hospital
Classification: Likely pathogenic for Basal cell nevus syndrome 1. Last evaluated: 2025-11-20. Review status: criteria provided, single submitter. Criteria: ACMG Guidelines, 2015. Collection method: clinical testing. Allele origin: de novo. Affected: yes.
Comment: The c.517G>T variant in the PTCH1 gene (NM_000264.5) is a nonsense located in exon 3 and has not been previously reported in ClinVar. This variant is predicted to result in loss of function due to a truncated or absent protein (PVS1). The allele frequency of this variant is not reported, and it is absent from population databases such as gnomAD (PM2). In summary, this variant meets the criteria to be classified as likely pathogenic for Basal cell nevus syndrome 1 (OMIM #109400), based on the ACMG guidelines (Richards et al., 2015), with supporting evidence from criteria PVS1, PM2.

NM_000264.5(PTCH1):c.517G>T (p.Glu173Ter)

Gene: PTCH1 (patched 1; minus strand). Cytogenetic location: 9q22.32.
Variant type: single nucleotide variant.
Coding change: c.517G>T on transcript NM_000264.5 (MANE Select); coding-DNA position 517, G replaced by T.
Protein change: p.Glu173Ter; replaces glutamic acid 173 with a stop codon.
Molecular consequence: nonsense. On other transcripts: non-coding transcript variant (1).
Genome position (GRCh38, 1-based): chr9:95,485,752, C>A on the plus strand (G>T on the coding strand, the complement: PTCH1 is on the minus strand). VCF-style: chr9-95485752-C-A. GRCh37 (hg19) VCF-style: chr9-98248034-C-A.
Other names: c.319G>T, p.Glu107Ter (NM_001083602.3, NM_001354919.2); c.514G>T, p.Glu172Ter (NM_001083603.3); c.64G>T, p.Glu22Ter (NM_001083604.3, NM_001083605.3, NM_001083606.3 and 1 more transcripts); c.517G>T, p.Glu173Ter (NM_001354918.2); short protein forms E107*, E172*, E173*, E22*.
Identifiers: ClinVar variation 4532282 (VCV004532282.1).